The following is an entry in ClinVar:

ClinVar aggregate classification (germline): Uncertain significance (0 of 4 stars; one submission).

Conditions:
VPS13B-related disorder. Also called: VPS13B-related condition.

Submission:

PreventionGenetics, part of Exact Sciences
Classification: Uncertain significance for VPS13B-related condition. Last evaluated: 2024-05-06. Review status: no assertion criteria provided. Collection method: clinical testing. Allele origin: germline.
Comment: The VPS13B c.1845T>A variant is predicted to result in the amino acid substitution p.Asp615Glu. To our knowledge, this variant has not been reported in the literature. This variant is reported in 0.012% of alleles in individuals of African descent in gnomAD. At this time, the clinical significance of this variant is uncertain due to the absence of conclusive functional and genetic evidence.

NM_152564.5(VPS13B):c.1845T>A (p.Asp615Glu)

Gene: VPS13B (vacuolar protein sorting 13 homolog B; plus strand). Cytogenetic location: 8q22.2.
Variant type: single nucleotide variant.
Coding change: c.1845T>A on transcript NM_152564.5 (MANE Select); coding-DNA position 1845, T replaced by A.
Protein change: p.Asp615Glu; replaces aspartic acid 615 with glutamic acid.
Molecular consequence: missense variant.
Genome position (GRCh38, 1-based): chr8:99,147,842, T>A. VCF-style: chr8-99147842-T-A. GRCh37 (hg19) VCF-style: chr8-100160070-T-A.
Other names: c.1845T>A, p.Asp615Glu (NM_015243.3, NM_017890.5); short protein forms D615E.
Identifiers: ClinVar variation 3344389 (VCV003344389.1).
Genomic context (GRCh38, chr8:99,147,842, plus strand): 5'-TTGTTTAAGAATATTATTTAAAAATATTCTTTATTAATTTTTTATCATTTTAATTTTAGA[T>A]ATTAAGGATGAAAATGAAACAATACTGAATCCTGAAGAGGTGGCTCTTCTGGAGGAATAT-3'
Protein context (NP_689777.3, residues 605-625): EYEPYSRLKS[Asp615Glu]IKDENETILN